The following is an entry in ClinVar:

NM_000179.3(MSH6):c.3674C>G (p.Thr1225Arg)

Gene: MSH6 (mutS homolog 6; plus strand). Cytogenetic location: 2p16.3.
Variant type: single nucleotide variant.
Coding change: c.3674C>G on transcript NM_000179.3 (MANE Select); coding-DNA position 3674, C replaced by G.
Protein change: p.Thr1225Arg; replaces threonine 1225 with arginine.
Molecular consequence: missense variant. On other transcripts: non-coding transcript variant (5).
Genome position (GRCh38, 1-based): chr2:47,806,231, C>G. VCF-style: chr2-47806231-C-G. GRCh37 (hg19) VCF-style: chr2-48033370-C-G.
Other names: c.3149C>G, p.Thr1050Arg (NM_001406799.1, NM_001406806.1, NM_001406807.1); c.3674C>G, p.Thr1225Arg (NM_001406800.1, NM_001406808.1, NM_001406809.1 and 1 more transcripts); c.3377C>G, p.Thr1126Arg (NM_001406801.1, NM_001406805.1, NM_001406818.1 and 10 more transcripts); c.3770C>G, p.Thr1257Arg (NM_001406802.1, NM_001406795.1); c.2810C>G, p.Thr937Arg (NM_001406803.1); c.3596C>G, p.Thr1199Arg (NM_001406804.1); c.2768C>G, p.Thr923Arg (NM_001406811.1, NM_001406812.1, NM_001406814.1 and 6 more transcripts); c.3680C>G, p.Thr1227Arg (NM_001406813.1); and 7 more; short protein forms T1167R, T1169R, T152R, T1095R, T174R, T540R, T703R, T923R.
Identifiers: ClinVar variation 2813696 (VCV002813696.3), dbSNP rs63750370, ClinGen allele CA346760875.
Genomic context (GRCh38, chr2:47,806,231, plus strand): 5'-AGTTACTTCCTTATGCATATTTTACTTTAACAGGAAGAGGTACTGCAACATTTGATGGGA[C>G]GGCAATAGCAAATGCAGTTGTTAAAGAACTTGCTGAGACTATAAAATGTCGTACATTATT-3'
Protein context (NP_000170.1, residues 1215-1235): LGRGTATFDG[Thr1225Arg]AIANAVVKEL

ClinVar aggregate classification (germline): Uncertain significance (1 of 4 stars; one submission).

Conditions:
Hereditary nonpolyposis colorectal neoplasms. Identifiers: MedGen C0009405, MeSH D003123.

Submission:

Labcorp Genetics (formerly Invitae), Labcorp
Classification: Uncertain significance for Hereditary nonpolyposis colorectal neoplasms. Last evaluated: 2022-11-11. Review status: criteria provided, single submitter. Criteria: Invitae Variant Classification Sherloc (09022015). Collection method: clinical testing. Allele origin: germline.
Comment: This sequence change replaces threonine, which is neutral and polar, with arginine, which is basic and polar, at codon 1225 of the MSH6 protein (p.Thr1225Arg). This variant is not present in population databases (gnomAD no frequency). This variant has not been reported in the literature in individuals affected with MSH6-related conditions. Algorithms developed to predict the effect of missense changes on protein structure and function (SIFT, PolyPhen-2, Align-GVGD) all suggest that this variant is likely to be disruptive. In summary, the available evidence is currently insufficient to determine the role of this variant in disease. Therefore, it has been classified as a Variant of Uncertain Significance.